The following is an entry in ClinVar:

NM_175914.5(HNF4A):c.335G>A (p.Arg112Gln)

Gene: HNF4A (hepatocyte nuclear factor 4 alpha; plus strand). Cytogenetic location: 20q13.12.
Variant type: single nucleotide variant.
Coding change: c.335G>A on transcript NM_175914.5 (MANE Select); coding-DNA position 335, G replaced by A.
Protein change: p.Arg112Gln; replaces arginine 112 with glutamine.
Molecular consequence: missense variant.
Genome position (GRCh38, 1-based): chr20:44,413,709, G>A. VCF-style: chr20-44413709-G-A. GRCh37 (hg19) VCF-style: chr20-43042349-G-A.
Other names: NM_175914.5(HNF4A):c.335G>A; p.Arg112Gln; c.401G>A, p.Arg134Gln (NM_000457.6, NM_178849.3, NM_178850.3); c.335G>A, p.Arg112Gln (NM_001030003.3, NM_001030004.3); c.380G>A, p.Arg127Gln (NM_001258355.2); c.326G>A, p.Arg109Gln (NM_001287182.2, NM_001287183.2, NM_001287184.2); short protein forms R109Q, R112Q, R134Q, R127Q.
Identifiers: ClinVar variation 427034 (VCV000427034.32), dbSNP rs1085307913, ClinGen allele CA409105430.

ClinVar aggregate classification (germline): Pathogenic. Review status: reviewed by expert panel (3 of 4 stars). 11 submissions from 11 submitters: Pathogenic (1). 10 of the submissions do not count toward it. Last evaluated 2023-09-29.

Conditions:
HNF4A-related disorder. Also called: HNF4A-related condition.
Monogenic diabetes. Identifiers: Orphanet 183625, MedGen C3888631, MONDO:0015967.
Fanconi renotubular syndrome 4 with maturity-onset diabetes of the young (FRTS4). Also called: FRTS4 WITH MODY. Identifiers: Orphanet 93111, MedGen C4014962, MONDO:0014458, OMIM 616026.
Type 2 diabetes mellitus. Also called: Type II diabetes mellitus. Identifiers: MedGen C0011860, MeSH D003924, MONDO:0005148, OMIM 125853, HP:0005978.
Maturity-onset diabetes of the young type 1. Also called: HNF4A-Related Maturity-Onset Diabetes of the Young Type 1; MODY, type I; MILD JUVENILE DIABETES MELLITUS; MODY type 1; Diabetes mellitus MODY type 1; MODY HNF4A related. Identifiers: Orphanet 552, MedGen C1852093, MONDO:0007452, OMIM 125850. Disease mechanism: loss of function.
Maturity-onset diabetes of the young (MODY). Also called: Maturity onset diabetes mellitus in young. Identifiers: Orphanet 552, MedGen C0342276, MONDO:0018911, HP:0004904.

Allele frequency attached by ClinVar (database versions not stated): gnomAD exomes below 0.00001.
gnomAD v4.1: 6 of 1,613,520 alleles (0.00037%); highest among the groups gnomAD compares: Non-Finnish European, 0.00051%; no homozygotes.

Submissions 1 to 7 of 11:

ClinGen Monogenic Diabetes Variant Curation Expert Panel
Classification: Pathogenic for Monogenic diabetes. Last evaluated: 2023-09-29. Review status: reviewed by expert panel. Criteria: ClinGen Monogenic Diabetes ACMG Specifications HNF4A V1.1.0. Collection method: curation. Allele origin: germline. Inheritance: Autosomal dominant inheritance.
Comment: The c.335G>A variant in the hepatic nuclear factor 4-alpha gene, HNF4A, causes an amino acid change of arginine to glutamine at codon 112 (p.(Arg112Gln)) of NM_175914.5. This variant resides in an amino acid within the HNF4A DNA binding domain that directly binds DNA, which is defined as critical for the protein’s function by the ClinGen MDEP (PM1). This variant is predicted to be deleterious by computational evidence, with a REVEL score of 0.959, which is greater than the MDEP VCEP threshold of 0.70 (PP3). This variant is absent from gnomAD v2.1.1 (PM2_Supporting). This variant was identified in at least 17 unrelated individuals with non-autoimmune and non-absolute/near-absolute insulin-deficient diabetes (PS4; PMIDs: 36257325, 25306193, 26552609, 18356407, internal lab contributors). At least one of these individuals had a clinical history highly specific for HNF4A-MODY (MODY probability calculator result >50%, negative genetic testing for HNF1A, and sulfonylurea-responsive) (PP4_Moderate; internal lab contributors). This variant segregated with diabetes, with 12 informative meioses in 11 families (PP1_Strong; PMID: 18356407, internal lab contributors). Another missense variant, c.334C>T p.Arg112Trp, has been classified as pathogenic by the ClinGen MDEP but has a greater Grantham distance than p.Arg112Gln (PM5_Supporting). In summary, c.335A>G meets the criteria to be classified as pathogenic for monogenic diabetes. ACMG/AMP criteria applied, as specified by the ClinGen MDEP (specification version 1.1.0, approved 8/11/2023): PS4, PP1_Strong, PM1, PP4_Moderate, PP3, PM2_Supporting, PM5_Supporting.

GeneDx
Classification: Pathogenic. Last evaluated: 2026-09-10. Review status: criteria provided, single submitter. Criteria: GeneDx Variant Classification Process June 2021. Collection method: clinical testing. Allele origin: germline. Not counted in ClinVar's aggregate classification.
Comment: Not observed at significant frequency in large population cohorts (gnomAD); In silico analysis supports that this missense variant has a deleterious effect on protein structure/function; This variant is associated with the following publications: (PMID: 23348805, 31825128, 26552609, 25306193, 34789499, 18356407, 36208030, 38733153, 35737141, 39033325, 18829458, 36257325, 33149276, 40954556)

PreventionGenetics, part of Exact Sciences
Classification: Pathogenic for HNF4A-related condition. Last evaluated: 2026-08-27. Review status: criteria provided, single submitter. Criteria: ACMG Guidelines, 2015. Collection method: clinical testing. Allele origin: germline. Not counted in ClinVar's aggregate classification.
Comment: The HNF4A c.335G>A variant is predicted to result in the amino acid substitution p.Arg112Gln. This variant has been reported in multiple patients with maturity-onset diabetes of the young (MODY) (reported as R125Q at Supplementary Figure of Harries et al 2008. PubMed ID: 18356407; also summarized at Supp. Table S2 of Colclough et al. 2013. PubMed ID: 23348805; referred to as p.Arg134Gln in Alkorta-Aranburu et al 2014. PubMed ID: 25306193; Szopa et al 2015. PubMed ID: 26552609; Supplementary Table 2, Sztromwasser et al 2020. PubMed ID: 31825128). This variant has not been reported in a large population database in gnomAD, indicating this variant is rare. A different change affecting the same codon (c.334C>T, p.Arg112Trp) has been reported to be causative in MODY patients (Pruhova et al. 2003. PubMed ID: 1262733; Bazalova et al. 2010. PubMed ID: 201329970; Supp. Table S2 of Colclough et al. 2013. PubMed ID: 23348805 ). This variant is classified as pathogenic by ClinGen Monogenic Diabetes Variant Curation Expert Panel. Based on these information, this variant is interpreted as pathogenic.

Ambry Genetics
Classification: Pathogenic for Maturity-onset diabetes of the young. Last evaluated: 2026-01-20. Review status: criteria provided, single submitter. Criteria: Ambry Variant Classification Scheme 2023. Collection method: clinical testing. Allele origin: germline. Not counted in ClinVar's aggregate classification.
Comment: The c.335G>A (p.R112Q) alteration is located in exon 4 (coding exon 4) of the HNF4A gene. This alteration results from a G to A substitution at nucleotide position 335, causing the arginine (R) at amino acid position 112 to be replaced by a glutamine (Q). This variant was not reported in population-based cohorts in the Genome Aggregation Database (gnomAD). This variant was reported in individual(s) with features consistent with HNF4A-related MODY (Harries, 2008; Alkorta-Aranburu, 2014; Szopa, 2015; Sztromwasser, 2020; Dusatkova, 2022; Mirshahi, 2022; Colclough, 2022; Shubina, 2024; Tanaka, 2024; NCBI ClinVar 2026). Note, this variant is also referred to as R125Q and c.401G>A p.(Arg134Gln) in the literature. Manual reference for reporting: National Center for Biotechnology Information. ClinVar; [VCV000427034.28], (accessed Jan. 16, 2026). This amino acid position is highly conserved in available vertebrate species. This missense alteration is located in a region that has a low rate of benign missense variation (Lek, 2016; Firth, 2009). This alteration is predicted to be deleterious by in silico analysis. Based on the available evidence, this alteration is classified as pathogenic.

Labcorp Genetics (formerly Invitae), Labcorp
Classification: Pathogenic. Last evaluated: 2025-12-16. Review status: criteria provided, single submitter. Criteria: Invitae Variant Classification Sherloc (09022015). Collection method: clinical testing. Allele origin: germline. Not counted in ClinVar's aggregate classification.
Comment: This sequence change replaces arginine, which is basic and polar, with glutamine, which is neutral and polar, at codon 112 of the HNF4A protein (p.Arg112Gln). This variant is not present in population databases (gnomAD no frequency). This missense change has been observed in individual(s) with clinical features of maturity-onset diabetes of the young (PMID: 18356407, 26552609, 31825128; external communication). It has also been observed to segregate with disease in related individuals. ClinVar contains an entry for this variant (Variation ID: 427034). Invitae Evidence Modeling of protein sequence and biophysical properties (such as structural, functional, and spatial information, amino acid conservation, physicochemical variation, residue mobility, and thermodynamic stability) has been performed for this missense variant. However, the output from this modeling did not meet the statistical confidence thresholds required to predict the impact of this variant on HNF4A protein function. For these reasons, this variant has been classified as Pathogenic.

Fulgent Genetics
Classification: Pathogenic for Maturity-onset diabetes of the young type 1; Type 2 diabetes mellitus; Fanconi renotubular syndrome 4 with maturity-onset diabetes of the young. Last evaluated: 2024-05-14. Review status: criteria provided, single submitter. Criteria: ACMG Guidelines, 2015. Collection method: clinical testing. Allele origin: germline. Not counted in ClinVar's aggregate classification.

Athena Diagnostics
Classification: Pathogenic. Last evaluated: 2023-12-28. Review status: criteria provided, single submitter. Criteria: Athena Diagnostics Criteria. Collection method: clinical testing. Allele origin: unknown. Not counted in ClinVar's aggregate classification.
Comment: This variant has been identified in multiple unrelated individuals with clinical features associated with this gene. This variant has not been reported in large, multi-ethnic general populations. In some published literature, this variant is referred to as c.335G>A (p.Arg112Gln) or c.374G>A (p.Arg125Gln).